The following is an entry in ClinVar:

NM_000334.4(SCN4A):c.95C>A (p.Ala32Glu)

Gene: SCN4A (sodium voltage-gated channel alpha subunit 4; minus strand). Cytogenetic location: 17q23.3.
Variant type: single nucleotide variant.
Coding change: c.95C>A on transcript NM_000334.4 (MANE Select); coding-DNA position 95, C replaced by A.
Protein change: p.Ala32Glu; replaces alanine 32 with glutamic acid.
Molecular consequence: missense variant.
Genome position (GRCh38, 1-based): chr17:63,972,747, G>T on the plus strand (C>A on the coding strand, the complement: SCN4A is on the minus strand). VCF-style: chr17-63972747-G-T. GRCh37 (hg19) VCF-style: chr17-62050107-G-T.
Other names: short protein forms A32E.
Identifiers: ClinVar variation 860459 (VCV000860459.18), dbSNP rs765525226, ClinGen allele CA400640484.

ClinVar aggregate classification (germline): Uncertain significance. Review status: criteria provided, multiple submitters, no conflicts (2 of 4 stars). 8 submissions from 4 submitters: Uncertain significance (8). Last evaluated 2026-01-12.

Conditions:
Hypokalemic periodic paralysis, type 1. Also called: HypoPP; Hypokalemic Periodic Paralysis Type 1 (AD). Identifiers: Orphanet 681, MedGen C3714580, MONDO:0042979, OMIM 170400.
Hyperkalemic periodic paralysis. Also called: Familial hyperkalemic periodic paralysis; Gamstorp disease. Identifiers: Orphanet 682, MedGen C0238357, MONDO:0008224, OMIM 170500, HP:0007215.
Paramyotonia congenita of Von Eulenburg. Also called: Eulenburg disease; Myotonia congenita intermittens; Von Eulenburg paramyotonia congenita; Paramyotonia Congenita; PARALYSIS PERIODICA PARAMYOTONICA. Identifiers: Orphanet 684, MedGen C0221055, MONDO:0008195, OMIM 168300. Disease mechanism: loss of function.
Hypokalemic periodic paralysis, type 2 (HOKPP2). Identifiers: Orphanet 681, MedGen C2750061, MONDO:0013234, OMIM 613345.
Potassium-aggravated myotonia. Also called: MYOTONIA CONGENITA, ACETAZOLAMIDE-RESPONSIVE; MYOTONIA CONGENITA, ATYPICAL; SODIUM CHANNEL MUSCLE DISEASE; Myotonia congenita, atypical, acetazolamide-responsive. Identifiers: Orphanet 612, Orphanet 99734, Orphanet 99735, Orphanet 99736, MedGen C2931826, MONDO:0018959, OMIM 608390.
Congenital myasthenic syndrome 16. Identifiers: Orphanet 590, MedGen C3280112, MONDO:0013620, OMIM 614198.

Allele frequency attached by ClinVar (database versions not stated): TOPMed 0.00001.
gnomAD v4.1: 40 of 1,613,426 alleles (0.0025%); highest among the groups gnomAD compares: Non-Finnish European, 0.0034%; no homozygotes.

Submissions (8):

Labcorp Genetics (formerly Invitae), Labcorp
Classification: Uncertain significance for Hyperkalemic periodic paralysis. Last evaluated: 2026-01-12. Review status: criteria provided, single submitter. Criteria: Invitae Variant Classification Sherloc (09022015). Collection method: clinical testing. Allele origin: germline.
Comment: This sequence change replaces alanine, which is neutral and non-polar, with glutamic acid, which is acidic and polar, at codon 32 of the SCN4A protein (p.Ala32Glu). This variant is not present in population databases (gnomAD no frequency). This variant has not been reported in the literature in individuals affected with SCN4A-related conditions. ClinVar contains an entry for this variant (Variation ID: 860459). Invitae Evidence Modeling of protein sequence and biophysical properties (such as structural, functional, and spatial information, amino acid conservation, physicochemical variation, residue mobility, and thermodynamic stability) indicates that this missense variant is not expected to disrupt SCN4A protein function with a negative predictive value of 95%. In summary, the available evidence is currently insufficient to determine the role of this variant in disease. Therefore, it has been classified as a Variant of Uncertain Significance.

Revvity Omics, Revvity
Classification: Uncertain significance. Last evaluated: 2025-02-19. Review status: criteria provided, single submitter. Criteria: ACMG Guidelines, 2015. Collection method: clinical testing. Allele origin: germline.

Fulgent Genetics
Classification: Uncertain significance for Paramyotonia congenita of Von Eulenburg; Hypokalemic periodic paralysis, type 1; Hyperkalemic periodic paralysis; Potassium-aggravated myotonia; Hypokalemic periodic paralysis, type 2; Congenital myasthenic syndrome 16. Last evaluated: 2022-02-18. Review status: criteria provided, single submitter. Criteria: ACMG Guidelines, 2015. Collection method: clinical testing. Allele origin: unknown.

Illumina Laboratory Services, Illumina
Classification: Uncertain significance for Hypokalemic periodic paralysis, type 2. Last evaluated: 2018-01-12. Review status: criteria provided, single submitter. Criteria: ICSL Variant Classification Criteria 13 December 2019. Collection method: clinical testing. Allele origin: germline.

Illumina Laboratory Services, Illumina
Classification: Uncertain significance for Paramyotonia congenita of Von Eulenburg. Last evaluated: 2018-01-12. Review status: criteria provided, single submitter. Criteria: ICSL Variant Classification Criteria 13 December 2019. Collection method: clinical testing. Allele origin: germline.

Illumina Laboratory Services, Illumina
Classification: Uncertain significance for Congenital myasthenic syndrome 16. Last evaluated: 2018-01-12. Review status: criteria provided, single submitter. Criteria: ICSL Variant Classification Criteria 13 December 2019. Collection method: clinical testing. Allele origin: germline.

Illumina Laboratory Services, Illumina
Classification: Uncertain significance for Hyperkalemic periodic paralysis. Last evaluated: 2018-01-12. Review status: criteria provided, single submitter. Criteria: ICSL Variant Classification Criteria 13 December 2019. Collection method: clinical testing. Allele origin: germline.

Illumina Laboratory Services, Illumina
Classification: Uncertain significance for Potassium-aggravated myotonia. Last evaluated: 2018-01-12. Review status: criteria provided, single submitter. Criteria: ICSL Variant Classification Criteria 13 December 2019. Collection method: clinical testing. Allele origin: germline.